The following is an entry in ClinVar:

ClinVar aggregate classification (germline): Uncertain significance (1 of 4 stars; one submission).

Conditions:
Hypoplastic left heart syndrome. Also called: Hypoplastic left heart; Hypoplastic left ventricle. Identifiers: Orphanet 2248, MedGen C0152101, MONDO:0004933, HP:0004383.

gnomAD v4.1: 1 of 1,597,934 alleles (0.000063%); highest among the groups gnomAD compares: Non-Finnish European, 0.000085%; no homozygotes.

Submission:

Labcorp Genetics (formerly Invitae), Labcorp
Classification: Uncertain significance for Hypoplastic left heart syndrome. Last evaluated: 2025-07-08. Review status: criteria provided, single submitter. Criteria: Invitae Variant Classification Sherloc (09022015). Collection method: clinical testing. Allele origin: germline.
Comment: This sequence change replaces valine, which is neutral and non-polar, with alanine, which is neutral and non-polar, at codon 4 of the HAND1 protein (p.Val4Ala). This variant is not present in population databases (gnomAD no frequency). This variant has not been reported in the literature in individuals affected with HAND1-related conditions. An algorithm developed to predict the effect of missense changes on protein structure and function (PolyPhen-2) suggests that this variant is likely to be tolerated. In summary, the available evidence is currently insufficient to determine the role of this variant in disease. Therefore, it has been classified as a Variant of Uncertain Significance.

NM_004821.3(HAND1):c.11T>C (p.Val4Ala)

Gene: HAND1 (heart and neural crest derivatives expressed 1; minus strand). Cytogenetic location: 5q33.2.
Variant type: single nucleotide variant.
Coding change: c.11T>C on transcript NM_004821.3 (MANE Select); coding-DNA position 11, T replaced by C.
Protein change: p.Val4Ala; replaces valine 4 with alanine.
Molecular consequence: missense variant.
Genome position (GRCh38, 1-based): chr5:154,477,998, A>G on the plus strand (T>C on the coding strand, the complement: HAND1 is on the minus strand). VCF-style: chr5-154477998-A-G. GRCh37 (hg19) VCF-style: chr5-153857558-A-G.
Other names: short protein forms V4A.
Identifiers: ClinVar variation 4749977 (VCV004749977.1).